The following is an entry in ClinVar:

ClinVar aggregate classification (germline): Conflicting classifications of pathogenicity. Review status: criteria provided, conflicting classifications (1 of 4 stars). 5 submissions from 5 submitters: Uncertain significance (1); Benign (2); Likely benign (2). Last evaluated 2026-01-28.

Conditions:
Pontoneocerebellar hypoplasia. Also called: Pontocerebellar hypoplasia; Non-syndromic pontocerebellar hypoplasia. Identifiers: Orphanet 98523, MedGen C1261175, MONDO:0020135.
Pontocerebellar hypoplasia type 2B (PCH2B). Identifiers: Orphanet 2524, MedGen C2676466, MONDO:0012890, OMIM 612389.

Allele frequency attached by ClinVar (database versions not stated): ExAC 0.00096; gnomAD 0.00287; 1000 Genomes Project 0.00300; 1000 Genomes Project 30x 0.00312; TOPMed 0.00321; ESP Exome Variant Server 0.00377.
gnomAD v4.1: 924 of 1,613,984 alleles (0.057%); highest among the groups gnomAD compares: African/African-American, 1.1%; 6 homozygotes.

Submissions (5):

Labcorp Genetics (formerly Invitae), Labcorp
Classification: Benign. Last evaluated: 2026-01-28. Review status: criteria provided, single submitter. Criteria: Invitae Variant Classification Sherloc (09022015). Collection method: clinical testing. Allele origin: germline.

Blueprint Genetics
Classification: Likely benign. Last evaluated: 2024-09-09. Review status: criteria provided, single submitter. Criteria: ACMG Guidelines, 2015. Collection method: clinical testing. Allele origin: germline.

GeneDx
Classification: Likely benign. Last evaluated: 2020-01-20. Review status: criteria provided, single submitter. Criteria: GeneDx Variant Classification Process June 2021. Collection method: clinical testing. Allele origin: germline. Affected: yes.

Illumina Laboratory Services, Illumina
Classification: Benign for Pontoneocerebellar hypoplasia. Last evaluated: 2018-01-12. Review status: criteria provided, single submitter. Criteria: ICSL Variant Classification Criteria 13 December 2019. Collection method: clinical testing. Allele origin: germline.
Comment: This variant was observed in the ICSL laboratory as part of a predisposition screen in an ostensibly healthy population. It had not been previously curated by ICSL or reported in the Human Gene Mutation Database (HGMD: prior to June 1st, 2018), and was therefore a candidate for classification through an automated scoring system. Utilizing variant allele frequency, disease prevalence and penetrance estimates, and inheritance mode, an automated score was calculated to assess if this variant is too frequent to cause the disease. Based on the score and internal cut-off values, a variant classified as benign is not then subjected to further curation. The score for this variant resulted in a classification of benign for this disease.

Genetic Services Laboratory, University of Chicago
Classification: Uncertain significance for Pontocerebellar hypoplasia type 2B. Last evaluated: 2013-03-04. Review status: criteria provided, single submitter. Criteria: ACMG Guidelines, 2007. Collection method: clinical testing. Allele origin: germline. Inheritance: Autosomal recessive inheritance.

NM_025265.4(TSEN2):c.1389C>T (p.Asp463=)

Gene: TSEN2 (tRNA splicing endonuclease subunit 2; plus strand). Cytogenetic location: 3p25.2.
Variant type: single nucleotide variant.
Coding change: c.1389C>T on transcript NM_025265.4 (MANE Select); coding-DNA position 1389, C replaced by T.
Protein change: p.Asp463=; no amino-acid change (aspartic acid 463 retained).
Molecular consequence: synonymous variant. On other transcripts: non-coding transcript variant (1), intron variant (1).
Genome position (GRCh38, 1-based): chr3:12,532,712, C>T. VCF-style: chr3-12532712-C-T. GRCh37 (hg19) VCF-style: chr3-12574211-C-T.
Other names: c.1389C>T, p.Asp463= (NM_001145392.2, NM_001321277.2); c.1311C>T, p.Asp437= (NM_001145393.3, NM_001321279.2); c.1212C>T, p.Asp404= (NM_001145394.2); c.1338+1053C>T (NM_001321278.2).
Identifiers: ClinVar variation 160108 (VCV000160108.19), dbSNP rs75288720, ClinGen allele CA272729.
Genomic context (GRCh38, chr3:12,532,712, plus strand): 5'-TTGGTTGTAGGAGGTGATTCTGAGTCGATGGGTTTCTTCACGAGAGAGGAGTGACCAAGA[C>T]GATCTTTAACAATTCAACCTCAAATTTCTAATTTCACCAACAACTATTTATTGAGGGCTA-3'
Protein context (NP_079541.1, residues 453-465): WVSSRERSDQ[Asp463=]DL